The following is an entry in ClinVar:

ClinVar aggregate classification (germline): Uncertain significance (1 of 4 stars; one submission).

Conditions:
Nemaline myopathy 10 (NEM10). Identifiers: MedGen C4015360, MONDO:0014513, OMIM 616165.

gnomAD v4.1: 7 of 1,613,940 alleles (0.00043%); highest among the groups gnomAD compares: Admixed American, 0.0067%; no homozygotes.

Submission:

Labcorp Genetics (formerly Invitae), Labcorp
Classification: Uncertain significance for Nemaline myopathy 10. Last evaluated: 2020-09-15. Review status: criteria provided, single submitter. Criteria: Invitae Variant Classification Sherloc (09022015). Collection method: clinical testing. Allele origin: germline.
Comment: This sequence change replaces leucine with methionine at codon 371 of the LMOD3 protein (p.Leu371Met). The leucine residue is highly conserved and there is a small physicochemical difference between leucine and methionine. This variant is not present in population databases (ExAC no frequency). This variant has not been reported in the literature in individuals with LMOD3-related conditions. Algorithms developed to predict the effect of missense changes on protein structure and function are either unavailable or do not agree on the potential impact of this missense change (SIFT: Deleterious; PolyPhen-2: Probably Damaging; Align-GVGD: Class C0). In summary, the available evidence is currently insufficient to determine the role of this variant in disease. Therefore, it has been classified as a Variant of Uncertain Significance.

NM_198271.5(LMOD3):c.1111C>A (p.Leu371Met)

Gene: LMOD3 (leiomodin 3; minus strand). Cytogenetic location: 3p14.1.
Variant type: single nucleotide variant.
Coding change: c.1111C>A on transcript NM_198271.5 (MANE Select); coding-DNA position 1111, C replaced by A.
Protein change: p.Leu371Met; replaces leucine 371 with methionine.
Molecular consequence: missense variant.
Genome position (GRCh38, 1-based): chr3:69,119,244, G>T on the plus strand (C>A on the coding strand, the complement: LMOD3 is on the minus strand). VCF-style: chr3-69119244-G-T. GRCh37 (hg19) VCF-style: chr3-69168395-G-T.
Other names: c.1111C>A, p.Leu371Met (NM_001304418.3); short protein forms L371M.
Identifiers: ClinVar variation 999915 (VCV000999915.1), dbSNP rs546583536, ClinGen allele CA353472976.